The following is an entry in ClinVar:

NM_004281.4(BAG3):c.1323C>G (p.Asn441Lys)

Gene: BAG3 (BAG cochaperone 3; plus strand). Cytogenetic location: 10q26.11.
Variant type: single nucleotide variant.
Coding change: c.1323C>G on transcript NM_004281.4 (MANE Select); coding-DNA position 1323, C replaced by G.
Protein change: p.Asn441Lys; replaces asparagine 441 with lysine.
Molecular consequence: missense variant.
Genome position (GRCh38, 1-based): chr10:119,676,877, C>G. VCF-style: chr10-119676877-C-G. GRCh37 (hg19) VCF-style: chr10-121436389-C-G.
Other names: short protein forms N441K.
Identifiers: ClinVar variation 942895 (VCV000942895.9), dbSNP rs1325704409, ClinGen allele CA378297069.
Genomic context (GRCh38, chr10:119,676,877, plus strand): 5'-AGTGCTGAAAGTGGAAGCCATCCTGGAGAAGGTACAGGGGCTGGAGCAGGCTGTAGACAA[C>G]TTTGAAGGCAAGAAGACTGACAAAAAGTACCTGATGATCGAAGAGTATTTGACCAAAGAG-3'
Protein context (NP_004272.2, residues 431-451): KVQGLEQAVD[Asn441Lys]FEGKKTDKKY

ClinVar aggregate classification (germline): Uncertain significance (1 of 4 stars; one submission).

Conditions:
Myofibrillar myopathy 6. Identifiers: Orphanet 199340, MedGen C2751831, MONDO:0013061, OMIM 612954.
Dilated cardiomyopathy 1HH (CMD1HH). Identifiers: Orphanet 154, MedGen C3151293, MONDO:0013479, OMIM 613881.

Submission:

Labcorp Genetics (formerly Invitae), Labcorp
Classification: Uncertain significance for Dilated cardiomyopathy 1HH; Myofibrillar myopathy 6. Last evaluated: 2019-08-22. Review status: criteria provided, single submitter. Criteria: Invitae Variant Classification Sherloc (09022015). Collection method: clinical testing. Allele origin: germline.
Comment: This sequence change replaces asparagine with lysine at codon 441 of the BAG3 protein (p.Asn441Lys). The asparagine residue is weakly conserved and there is a moderate physicochemical difference between asparagine and lysine. This variant is not present in population databases (ExAC no frequency). This variant has not been reported in the literature in individuals with BAG3-related conditions. In summary, the available evidence is currently insufficient to determine the role of this variant in disease. Therefore, it has been classified as a Variant of Uncertain Significance.